The following is an entry in ClinVar:

ClinVar aggregate classification (germline): Likely benign. Review status: criteria provided, multiple submitters, no conflicts (2 of 4 stars). 3 submissions from 3 submitters: Likely benign (2). 1 of the submissions does not count toward it. Last evaluated 2025-12-13.

Conditions:
Rubinstein-Taybi syndrome (RSTS). Identifiers: Orphanet 783, MedGen C0035934, MONDO:0019188.
CREBBP-related disorder. Also called: CREBBP-related disorders; CREBBP-related condition.

Allele frequency attached by ClinVar (database versions not stated): gnomAD exomes below 0.00001; TOPMed below 0.00001; gnomAD 0.00001.
gnomAD v4.1: 2 of 1,606,082 alleles (0.00012%); highest among the groups gnomAD compares: Non-Finnish European, 0.00017%; no homozygotes.

Submissions (3):

Labcorp Genetics (formerly Invitae), Labcorp
Classification: Likely benign for Rubinstein-Taybi syndrome. Last evaluated: 2025-12-13. Review status: criteria provided, single submitter. Criteria: Invitae Variant Classification Sherloc (09022015). Collection method: clinical testing. Allele origin: germline.

Blueprint Genetics
Classification: Likely benign. Last evaluated: 2024-11-01. Review status: criteria provided, single submitter. Criteria: ACMG Guidelines, 2015. Collection method: clinical testing. Allele origin: germline.

PreventionGenetics, part of Exact Sciences
Classification: Likely benign for CREBBP-related condition. Last evaluated: 2019-09-05. Review status: no assertion criteria provided. Collection method: clinical testing. Allele origin: germline. Not counted in ClinVar's aggregate classification.
Comment: This variant is classified as likely benign based on ACMG/AMP sequence variant interpretation guidelines (Richards et al. 2015 PMID: 25741868, with internal and published modifications).

NM_004380.3(CREBBP):c.5268G>A (p.Gln1756=)

Gene: CREBBP (CREB binding lysine acetyltransferase; minus strand). Cytogenetic location: 16p13.3.
Variant type: single nucleotide variant.
Coding change: c.5268G>A on transcript NM_004380.3 (MANE Select); coding-DNA position 5268, G replaced by A.
Protein change: p.Gln1756=; no amino-acid change (glutamine 1756 retained).
Molecular consequence: synonymous variant.
Genome position (GRCh38, 1-based): chr16:3,729,779, C>T on the plus strand (G>A on the coding strand, the complement: CREBBP is on the minus strand). VCF-style: chr16-3729779-C-T. GRCh37 (hg19) VCF-style: chr16-3779780-C-T.
Other names: c.5154G>A, p.Gln1718= (NM_001079846.1).
Identifiers: ClinVar variation 3053704 (VCV003053704.4), dbSNP rs2051860601, ClinGen allele CA493394262.